The following is an entry in ClinVar:

ClinVar aggregate classification (germline): Uncertain significance (1 of 4 stars; one submission).

gnomAD v4.1: 1 of 1,614,074 alleles (0.000062%); highest among the groups gnomAD compares: Non-Finnish European, 0.000085%; no homozygotes.

Submission:

GeneDx
Classification: Uncertain significance. Last evaluated: 2024-03-29. Review status: criteria provided, single submitter. Criteria: GeneDx Variant Classification Process June 2021. Collection method: clinical testing. Allele origin: germline. Affected: yes.
Comment: Not observed at significant frequency in large population cohorts (gnomAD); In silico analysis supports that this missense variant has a deleterious effect on protein structure/function; Has not been previously published as pathogenic or benign to our knowledge

NM_001165963.4(SCN1A):c.101C>G (p.Ala34Gly)

Gene: SCN1A (sodium voltage-gated channel alpha subunit 1; minus strand). Cytogenetic location: 2q24.3.
Variant type: single nucleotide variant.
Coding change: c.101C>G on transcript NM_001165963.4 (MANE Select); coding-DNA position 101, C replaced by G.
Protein change: p.Ala34Gly; replaces alanine 34 with glycine.
Molecular consequence: missense variant. On other transcripts: 5 prime UTR variant (1), non-coding transcript variant (1).
Genome position (GRCh38, 1-based): chr2:166,073,521, G>C on the plus strand (C>G on the coding strand, the complement: SCN1A is on the minus strand). VCF-style: chr2-166073521-G-C. GRCh37 (hg19) VCF-style: chr2-166930031-G-C.
Other names: c.101C>G, p.Ala34Gly (NM_001165964.3, NM_001202435.3, NM_001353948.2 and 10 more transcripts); c.-2325C>G (NM_001353961.2); short protein forms A34G.
Identifiers: ClinVar variation 3371360 (VCV003371360.1).